The following is an entry in ClinVar:

ClinVar aggregate classification (germline): Uncertain significance (1 of 4 stars; one submission).

Allele frequency attached by ClinVar (database versions not stated): gnomAD exomes below 0.00001; ExAC 0.00001; TOPMed 0.00001; gnomAD 0.00003.

Submission:

Labcorp Genetics (formerly Invitae), Labcorp
Classification: Uncertain significance. Last evaluated: 2023-03-29. Review status: criteria provided, single submitter. Criteria: Invitae Variant Classification Sherloc (09022015). Collection method: clinical testing. Allele origin: germline.
Comment: This variant has not been reported in the literature in individuals affected with POLR3F-related conditions. ClinVar contains an entry for this variant (Variation ID: 1974123). In summary, the available evidence is currently insufficient to determine the role of this variant in disease. Therefore, it has been classified as a Variant of Uncertain Significance. This variant is present in population databases (rs769104826, gnomAD 0.002%). This sequence change affects codon 160 of the POLR3F mRNA. It is a 'silent' change, meaning that it does not change the encoded amino acid sequence of the POLR3F protein.

NM_006466.4(POLR3F):c.603C>T (p.Asn201=)

Gene: POLR3F (RNA polymerase III subunit F; plus strand). Cytogenetic location: 20p11.23.
Variant type: single nucleotide variant.
Coding change: c.603C>T on transcript NM_006466.4 (MANE Select); coding-DNA position 603, C replaced by T.
Protein change: p.Asn201=; no amino-acid change (asparagine 201 retained).
Molecular consequence: synonymous variant. On other transcripts: non-coding transcript variant (1).
Genome position (GRCh38, 1-based): chr20:18,480,431, C>T. VCF-style: chr20-18480431-C-T. GRCh37 (hg19) VCF-style: chr20-18461075-C-T.
Other names: c.480C>T, p.Asn160= (NM_001282526.2); c.459C>T, p.Asn153= (NM_001410821.1).
Identifiers: ClinVar variation 1974123 (VCV001974123.5), dbSNP rs769104826, ClinGen allele CA9777565.